The following is an entry in ClinVar:

ClinVar aggregate classification (germline): Uncertain significance (1 of 4 stars; one submission).

Conditions:
Hereditary cancer-predisposing syndrome. Also called: Tumor predisposition; Neoplastic Syndromes, Hereditary; Hereditary Cancer Syndrome; Hereditary neoplastic syndrome. Identifiers: Orphanet 140162, MedGen C0027672, MeSH D009386, MONDO:0015356.

Submission:

Ambry Genetics
Classification: Uncertain significance for Hereditary cancer-predisposing syndrome. Last evaluated: 2022-05-05. Review status: criteria provided, single submitter. Criteria: Ambry Variant Classification Scheme 2023. Collection method: clinical testing. Allele origin: germline.
Comment: The p.Y103D variant (also known as c.307T>G), located in coding exon 2 of the MSH6 gene, results from a T to G substitution at nucleotide position 307. The tyrosine at codon 103 is replaced by aspartic acid, an amino acid with highly dissimilar properties. This amino acid position is conserved. In addition, the in silico prediction for this alteration is inconclusive. Since supporting evidence is limited at this time, the clinical significance of this alteration remains unclear.

NM_000179.3(MSH6):c.307T>G (p.Tyr103Asp)

Gene: MSH6 (mutS homolog 6; plus strand). Cytogenetic location: 2p16.3.
Variant type: single nucleotide variant.
Coding change: c.307T>G on transcript NM_000179.3 (MANE Select); coding-DNA position 307, T replaced by G.
Protein change: p.Tyr103Asp; replaces tyrosine 103 with aspartic acid.
Molecular consequence: missense variant. On other transcripts: 5 prime UTR variant (2), intron variant (1).
Genome position (GRCh38, 1-based): chr2:47,790,973, T>G. VCF-style: chr2-47790973-T-G. GRCh37 (hg19) VCF-style: chr2-48018112-T-G.
Other names: c.-430T>G (NM_001281493.2, NM_001406811.1, NM_001406823.1 and 1 more transcripts); c.-596T>G (NM_001281494.2); c.403T>G, p.Tyr135Asp (NM_001406795.1, NM_001406802.1); c.307T>G, p.Tyr103Asp (NM_001406796.1, NM_001406798.1, NM_001406800.1 and 6 more transcripts); c.10T>G, p.Tyr4Asp (NM_001406797.1, NM_001406801.1, NM_001406805.1 and 10 more transcripts); c.229T>G, p.Tyr77Asp (NM_001406804.1); c.-622T>G (NM_001406807.1); c.-688T>G (NM_001406814.1); and 2 more; short protein forms Y135D, Y47D, Y4D, Y103D, Y77D.
Identifiers: ClinVar variation 1727363 (VCV001727363.2), dbSNP rs758303780, ClinGen allele CA346736789.